The following is an entry in ClinVar:

ClinVar aggregate classification (germline): Likely benign. Review status: criteria provided, multiple submitters, no conflicts (2 of 4 stars). 6 submissions from 6 submitters: Likely benign (6). Last evaluated 2024-04-10.

Conditions:
Breast-ovarian cancer, familial, susceptibility to, 1 (BROVCA1). Also called: BRCA1 Hereditary Breast and Ovarian Cancer; OVARIAN CANCER, SUSCEPTIBILITY TO. Identifiers: Orphanet 145, MedGen C2676676, MONDO:0011450, OMIM 604370. Disease mechanism: loss of function.
Hereditary breast ovarian cancer syndrome. Also called: Hereditary breast and ovarian cancer syndrome; Breast and ovarian cancer; Hereditary breast and ovarian cancer syndrome (HBOC); Hereditary breast and/or ovarian cancer syndrome; BRCA1- and BRCA2-Associated Hereditary Breast and Ovarian Cancer; Hereditary breast and ovarian cancer. Identifiers: Orphanet 145, MedGen C0677776, MeSH D061325, MONDO:0003582. Disease mechanism: loss of function.
Hereditary cancer-predisposing syndrome. Also called: Neoplastic Syndromes, Hereditary; Hereditary neoplastic syndrome; Hereditary Cancer Syndrome; Tumor predisposition. Identifiers: Orphanet 140162, MedGen C0027672, MeSH D009386, MONDO:0015356.

Allele frequency attached by ClinVar (database versions not stated): TOPMed below 0.00001; gnomAD exomes 0.00001.
gnomAD v4.1: 4 of 1,614,154 alleles (0.00025%); highest among the groups gnomAD compares: Non-Finnish European, 0.00034%; no homozygotes.

Submissions (6):

Women's Health and Genetics/Laboratory Corporation of America, LabCorp
Classification: Likely benign. Last evaluated: 2024-04-10. Review status: criteria provided, single submitter. Criteria: LabCorp Variant Classification Summary - May 2015. Collection method: clinical testing. Allele origin: germline.

All of Us Research Program, National Institutes of Health
Classification: Likely benign for Breast-ovarian cancer, familial, susceptibility to, 1. Last evaluated: 2023-05-15. Review status: criteria provided, single submitter. Criteria: ACMG Guidelines, 2015. Collection method: clinical testing. Allele origin: germline. Inheritance: Autosomal dominant inheritance. Observed: 1 variant allele, 1 heterozygote.
Comment: This study involves interpretation of variants in research participants for the purpose of population health screening. Participant phenotype was not available at the time of variant classification. Additional details can be found in publication PMID: 35346344, PMCID: PMC8962531

Labcorp Genetics (formerly Invitae), Labcorp
Classification: Likely benign for Hereditary breast ovarian cancer syndrome. Last evaluated: 2022-05-28. Review status: criteria provided, single submitter. Criteria: Invitae Variant Classification Sherloc (09022015). Collection method: clinical testing. Allele origin: germline.

Color Diagnostics, LLC DBA Color Health
Classification: Likely benign for Hereditary cancer-predisposing syndrome. Last evaluated: 2020-01-06. Review status: criteria provided, single submitter. Criteria: ACMG Guidelines, 2015. Collection method: clinical testing. Allele origin: germline.

Ambry Genetics
Classification: Likely benign for Hereditary cancer-predisposing syndrome. Last evaluated: 2018-08-20. Review status: criteria provided, single submitter. Criteria: Ambry Variant Classification Scheme 2023. Collection method: clinical testing. Allele origin: germline.

GeneDx
Classification: Likely benign. Last evaluated: 2016-02-23. Review status: criteria provided, single submitter. Criteria: GeneDx Variant Classification (06012015). Collection method: clinical testing. Allele origin: germline. Affected: yes.
Comment: This variant is considered likely benign or benign based on one or more of the following criteria: it is a conservative change, it occurs at a poorly conserved position in the protein, it is predicted to be benign by multiple in silico algorithms, and/or has population frequency not consistent with disease.

NM_007294.4(BRCA1):c.1212A>G (p.Glu404=)

Gene: BRCA1 (BRCA1 DNA repair associated; minus strand). Cytogenetic location: 17q21.31.
Variant type: single nucleotide variant.
Coding change: c.1212A>G on transcript NM_007294.4 (MANE Select); coding-DNA position 1212, A replaced by G.
Protein change: p.Glu404=; no amino-acid change (glutamic acid 404 retained).
Molecular consequence: synonymous variant. On other transcripts: intron variant (137).
Genome position (GRCh38, 1-based): chr17:43,094,319, T>C on the plus strand (A>G on the coding strand, the complement: BRCA1 is on the minus strand). VCF-style: chr17-43094319-T-C. GRCh37 (hg19) VCF-style: chr17-41246336-T-C.
Other names: c.999A>G, p.Glu333= (NM_001407571.1, NM_001407853.1, NM_001407894.1 and 9 more transcripts); c.1212A>G, p.Glu404= (NM_001407581.1, NM_001407582.1, NM_001407583.1 and 30 more transcripts); c.1209A>G, p.Glu403= (NM_001407587.1, NM_001407590.1, NM_001407591.1 and 22 more transcripts); c.1203A>G, p.Glu401= (NM_001407646.1, NM_001407647.1); c.1089A>G, p.Glu363= (NM_001407648.1, NM_001407664.1, NM_001407665.1 and 19 more transcripts); c.1086A>G, p.Glu362= (NM_001407649.1, NM_001407670.1, NM_001407671.1 and 11 more transcripts); c.1134A>G, p.Glu378= (NM_001407653.1, NM_001407654.1, NM_001407655.1 and 4 more transcripts); c.1131A>G, p.Glu377= (NM_001407659.1, NM_001407660.1, NM_001407661.1 and 1 more transcripts); and 40 more.
Identifiers: ClinVar variation 384114 (VCV000384114.19), dbSNP rs1057521863, ClinGen allele CA16607635.
Genomic context (GRCh38, chr17:43,094,319, plus strand): 5'-ACCAGAATATTCATCTACCTCATTTAGAACGTCCAATACATCAGCTACTTTGGCATTTGA[T>C]TCAGACTCCCCATCATGTGAGTCATCAGAACCTAACAGTTCATCACTTCTGGAAAACCAC-3'
Protein context (NP_009225.1, residues 394-414): GSDDSHDGES[Glu404=]SNAKVADVLD